The following is an entry in ClinVar:

NM_005896.4(IDH1):c.123-4C>T

Gene: IDH1 (isocitrate dehydrogenase (NADP(+)) 1; minus strand). Cytogenetic location: 2q34.
Variant type: single nucleotide variant.
Coding change: c.123-4C>T on transcript NM_005896.4 (MANE Select); 4 bases into the intron before coding-DNA position 123, C replaced by T.
Molecular consequence: intron variant.
Genome position (GRCh38, 1-based): chr2:208,248,664, G>A on the plus strand (C>T on the coding strand, the complement: IDH1 is on the minus strand). VCF-style: chr2-208248664-G-A. GRCh37 (hg19) VCF-style: chr2-209113388-G-A.
Other names: c.123-4C>T (NM_001282386.1, NM_001282387.1).
Identifiers: ClinVar variation 781827 (VCV000781827.7), dbSNP rs116548235, ClinGen allele CA2079084.
Genomic context (GRCh38, chr2:208,248,664, plus strand): 5'-GCATCCTTGGTGACTTGGTCGTTGGTGGCATCACGATTCTCTATGCCTAAATCATAGCTT[G>A]AAAGAGAAAAATTAGAAGCAAAGTTTTTCAGACAAATGGATAGTTATAACCTACAACTGC-3'

ClinVar aggregate classification (germline): Benign. Review status: criteria provided, multiple submitters, no conflicts (2 of 4 stars). 3 submissions from 3 submitters: Benign (2). 1 of the submissions does not count toward it. Last evaluated 2019-12-31.

Conditions:
IDH1-related disorder. Also called: IDH1-related condition.

Allele frequency attached by ClinVar (database versions not stated): gnomAD 0.00914 and 0.00851; gnomAD exomes 0.00106 and 0.00222; 1000 Genomes Project 0.00719; ExAC 0.00278; TOPMed 0.00931; ESP Exome Variant Server 0.00946; 1000 Genomes Project 30x 0.00687.

Submissions (3):

Labcorp Genetics (formerly Invitae), Labcorp
Classification: Benign. Last evaluated: 2019-12-31. Review status: criteria provided, single submitter. Criteria: Invitae Variant Classification Sherloc (09022015). Collection method: clinical testing. Allele origin: germline.

Breakthrough Genomics
Classification: Benign. Review status: criteria provided, single submitter. Criteria: ACMG Guidelines, 2015. Collection method: not provided. Allele origin: germline. Inheritance: Autosomal dominant inheritance. Affected: yes.

PreventionGenetics, part of Exact Sciences
Classification: Benign for IDH1-related condition. Last evaluated: 2019-03-15. Review status: no assertion criteria provided. Collection method: clinical testing. Allele origin: germline. Not counted in ClinVar's aggregate classification.
Comment: This variant is classified as benign based on ACMG/AMP sequence variant interpretation guidelines (Richards et al. 2015 PMID: 25741868, with internal and published modifications).